The following is an entry in ClinVar:

ClinVar aggregate classification (germline): Pathogenic (0 of 4 stars; one submission).

Conditions:
Spinocerebellar ataxia type 14 (SCA14). Identifiers: Orphanet 98763, MedGen C1854369, MONDO:0011540, OMIM 605361.

Submission:

GeneReviews
Classification: Pathogenic for Spinocerebellar Ataxia Type14. Last evaluated: 2013-04-18. Review status: no assertion criteria provided. Collection method: curation. Allele origin: unknown.
ClinVar note: Converted during submission from pathologic to Pathogenic.

NM_002739.5(PRKCG):c.300_305del (p.His101_Lys102del)

Gene: PRKCG (protein kinase C gamma; plus strand). Cytogenetic location: 19q13.42.
Variant type: Deletion.
Coding change: c.300_305del on transcript NM_002739.5 (MANE Select); coding-DNA positions 300 to 305, 6 bases deleted (ACACAA; older notation c.300_305delACACAA).
Protein change: p.His101_Lys102del.
Molecular consequence: inframe deletion.
Genome position (GRCh38, 1-based): chr19:53,889,652-53,889,657, ACACAA deleted; deleting any 6 consecutive bases within chr19:53,889,648-53,889,657 gives the same sequence; the c. name uses the placement nearest the transcript's 3' end. VCF-style (leftmost placement, unchanged base first): chr19-53889647-AACAAAC-A. GRCh37 (hg19) VCF-style: chr19-54392901-AACAAAC-A.
Other names: c.296-301del; c.300_305del, p.His101_Lys102del (NM_001316329.2).
Identifiers: ClinVar variation 42157 (VCV000042157.3), dbSNP rs386134161, ClinGen allele CA344618.